The following is an entry in ClinVar:

NM_014915.3(ANKRD26):c.582G>C (p.Met194Ile)

Gene: ANKRD26 (ankyrin repeat domain containing 26; minus strand). Cytogenetic location: 10p12.1.
Variant type: single nucleotide variant.
Coding change: c.582G>C on transcript NM_014915.3 (MANE Select); coding-DNA position 582, G replaced by C.
Protein change: p.Met194Ile; replaces methionine 194 with isoleucine.
Molecular consequence: missense variant.
Genome position (GRCh38, 1-based): chr10:27,092,462, C>G on the plus strand (G>C on the coding strand, the complement: ANKRD26 is on the minus strand). VCF-style: chr10-27092462-C-G. GRCh37 (hg19) VCF-style: chr10-27381391-C-G.
Other names: c.582G>C, p.Met194Ile (NM_001256053.2); short protein forms M194I.
Identifiers: ClinVar variation 2502725 (VCV002502725.1), dbSNP rs1197333327, ClinGen allele CA376366856.

ClinVar aggregate classification (germline): Uncertain significance (1 of 4 stars; one submission).

Submission:

GeneDx
Classification: Uncertain significance. Last evaluated: 2022-11-17. Review status: criteria provided, single submitter. Criteria: GeneDx Variant Classification Process June 2021. Collection method: clinical testing. Allele origin: germline. Affected: yes.
Comment: Not observed at significant frequency in large population cohorts (gnomAD); In silico analysis supports that this missense variant does not alter protein structure/function; Has not been previously published as pathogenic or benign to our knowledge